The following is an entry in ClinVar:

NC_000009.11:g.(?_6604568)_(6620339_?)del

Gene: GLDC (glycine decarboxylase; minus strand). Cytogenetic location: 9p24.1.
Variant type: Deletion.
Identifiers: ClinVar variation 3245153 (VCV003245153.1).

ClinVar aggregate classification (germline): Pathogenic (1 of 4 stars; one submission).

Conditions:
Glycine encephalopathy. Also called: Nonketotic hyperglycinemia; Non-ketotic hyperglycinemia. Identifiers: Orphanet 407, MedGen C0751748, MONDO:0011612, HP:0008288.

Submission:

Labcorp Genetics (formerly Invitae), Labcorp
Classification: Pathogenic for Glycine encephalopathy. Last evaluated: 2022-12-20. Review status: criteria provided, single submitter. Criteria: Invitae Variant Classification Sherloc (09022015). Collection method: clinical testing. Allele origin: unknown.
Comment: This variant is a gross deletion of the genomic region encompassing exon(s) 3-7 of the GLDC gene. This deletion is out-of-frame, and is expected to create a premature termination codon and result in an absent or disrupted protein product. Loss-of-function variants in GLDC are known to be pathogenic (PMID: 16601880). This variant has not been reported in the literature in individuals affected with GLDC-related conditions. For these reasons, this variant has been classified as Pathogenic.

Literature cited by the submitters: PubMed 16601880.